The following is an entry in ClinVar:

ClinVar aggregate classification (germline): Uncertain significance. Review status: criteria provided, multiple submitters, no conflicts (2 of 4 stars). 2 submissions from 2 submitters: Uncertain significance (2). Last evaluated 2025-10-18.

Conditions:
Inborn genetic diseases. Identifiers: MedGen C0950123, MeSH D030342.

gnomAD v4.1: 1 of 1,614,040 alleles (0.000062%); highest among the groups gnomAD compares: Non-Finnish European, 0.000085%; no homozygotes.

Submissions (2):

Ambry Genetics
Classification: Uncertain significance for Inborn genetic diseases. Last evaluated: 2025-10-18. Review status: criteria provided, single submitter. Criteria: Ambry Variant Classification Scheme 2023. Collection method: clinical testing. Allele origin: germline.

Labcorp Genetics (formerly Invitae), Labcorp
Classification: Uncertain significance. Last evaluated: 2022-05-13. Review status: criteria provided, single submitter. Criteria: Invitae Variant Classification Sherloc (09022015). Collection method: clinical testing. Allele origin: germline.
Comment: This sequence change replaces aspartic acid, which is acidic and polar, with histidine, which is basic and polar, at codon 218 of the CDH3 protein (p.Asp218His). This variant is not present in population databases (gnomAD no frequency). This variant has not been reported in the literature in individuals affected with CDH3-related conditions. Algorithms developed to predict the effect of missense changes on protein structure and function are either unavailable or do not agree on the potential impact of this missense change (SIFT: "Not Available"; PolyPhen-2: "Benign"; Align-GVGD: "Not Available"). In summary, the available evidence is currently insufficient to determine the role of this variant in disease. Therefore, it has been classified as a Variant of Uncertain Significance.

NM_001793.6(CDH3):c.652G>C (p.Asp218His)

Gene: CDH3 (cadherin 3; plus strand). Cytogenetic location: 16q22.1.
Variant type: single nucleotide variant.
Coding change: c.652G>C on transcript NM_001793.6 (MANE Select); coding-DNA position 652, G replaced by C.
Protein change: p.Asp218His; replaces aspartic acid 218 with histidine.
Molecular consequence: missense variant.
Genome position (GRCh38, 1-based): chr16:68,678,867, G>C. VCF-style: chr16-68678867-G-C. GRCh37 (hg19) VCF-style: chr16-68712770-G-C.
Other names: c.652G>C (NM_001793.4); c.652G>C, p.Asp218His (NM_001317195.3); c.487G>C, p.Asp163His (NM_001317196.2); short protein forms D218H, D163H.
Identifiers: ClinVar variation 1994119 (VCV001994119.5), dbSNP rs1961118244, ClinGen allele CA396449689.